The following is an entry in ClinVar:

ClinVar aggregate classification (germline): Uncertain significance (1 of 4 stars; one submission).

Conditions:
Lysinuric protein intolerance (LPI). Identifiers: Orphanet 470, MedGen C0268647, MONDO:0009109, OMIM 222700.

Submission:

Labcorp Genetics (formerly Invitae), Labcorp
Classification: Uncertain significance for Lysinuric protein intolerance. Last evaluated: 2025-09-02. Review status: criteria provided, single submitter. Criteria: Invitae Variant Classification Sherloc (09022015). Collection method: clinical testing. Allele origin: germline.
Comment: This sequence change replaces proline, which is neutral and non-polar, with leucine, which is neutral and non-polar, at codon 146 of the SLC7A7 protein (p.Pro146Leu). This variant is not present in population databases (gnomAD no frequency). This variant has not been reported in the literature in individuals affected with SLC7A7-related conditions. ClinVar contains an entry for this variant (Variation ID: 1064171). An algorithm developed to predict the effect of missense changes on protein structure and function (PolyPhen-2) suggests that this variant is likely to be disruptive. In summary, the available evidence is currently insufficient to determine the role of this variant in disease. Therefore, it has been classified as a Variant of Uncertain Significance.

NM_003982.4(SLC7A7):c.437C>T (p.Pro146Leu)

Gene: SLC7A7 (solute carrier family 7 member 7; minus strand). Cytogenetic location: 14q11.2.
Variant type: single nucleotide variant.
Coding change: c.437C>T on transcript NM_003982.4 (MANE Select); coding-DNA position 437, C replaced by T.
Protein change: p.Pro146Leu; replaces proline 146 with leucine.
Molecular consequence: missense variant.
Genome position (GRCh38, 1-based): chr14:22,812,962, G>A on the plus strand (C>T on the coding strand, the complement: SLC7A7 is on the minus strand). VCF-style: chr14-22812962-G-A. GRCh37 (hg19) VCF-style: chr14-23282171-G-A.
Other names: c.437C>T, p.Pro146Leu (NM_001126105.3, NM_001126106.4); short protein forms P146L.
Identifiers: ClinVar variation 1064171 (VCV001064171.9), dbSNP rs2039338903, ClinGen allele CA388922023.